The following is an entry in ClinVar:

NM_016284.5(CNOT1):c.6059+4A>T

Gene: CNOT1 (CCR4-NOT transcription complex subunit 1; minus strand). Cytogenetic location: 16q21.
Variant type: single nucleotide variant.
Coding change: c.6059+4A>T on transcript NM_016284.5 (MANE Select); 4 bases into the intron after coding-DNA position 6059, A replaced by T.
Molecular consequence: intron variant.
Genome position (GRCh38, 1-based): chr16:58,532,228, T>A on the plus strand (A>T on the coding strand, the complement: CNOT1 is on the minus strand). VCF-style: chr16-58532228-T-A. GRCh37 (hg19) VCF-style: chr16-58566132-T-A.
Other names: c.6044+4A>T (NM_001265612.2).
Identifiers: ClinVar variation 5042603 (VCV005042603.1).

ClinVar aggregate classification (germline): Benign (1 of 4 stars; one submission).

Conditions:
CNOT1-Related Vissers-Bodmer Syndrome. Identifiers: MedGen CN381458.

Submission:

Cellular and Molecular Research Center, Cellular and Molecular Medicine Research Institute,, Urmia University of Medical Sciences
Classification: Benign for CNOT1-Related Vissers-Bodmer Syndrome. Last evaluated: 2026-10-14. Review status: criteria provided, single submitter. Criteria: ACMG Guidelines, 2015. Collection method: clinical testing. Allele origin: germline. Inheritance: Autosomal dominant inheritance. Affected: yes. Observed: 1 variant allele, 1 compound heterozygote.
Comment: The CNOT1 gene encodes the central scaffold protein of the CCR4–NOT complex, which regulates gene expression, mRNA deadenylation and RNA stability. Disruption of CNOT1 function can therefore affect the expression of many genes, including those important for brain development. The variant CNOT1 c.6059+4A>T is an intronic single-nucleotide substitution located four bases downstream of coding nucleotide 6059, at the +4 position of a splice-donor site. It changes adenine (A), a purine, to thymine (T), a pyrimidine; therefore, it is a purine-to-pyrimidine transversion. Genetic testing identified a heterozygous intronic variant in CNOT1 (NM_016284.5:exon41:c.6059+4A>T, p.?; chr16:58532228). The variant is not listed in ClinVar or InterVar, whereas VarSome classifies it as likely pathogenic. CNOT1-related disorder (Vissers-Bodmer syndrome) follows autosomal dominant inheritance. In this study, this lack of co-segregation argues against a causal role, and the variant is therefore interpreted as benign.

Literature cited by the submitters: PubMed 38434094.